The following is an entry in ClinVar:

NM_001199799.2(ILDR1):c.1194G>A (p.Ser398=)

Gene: ILDR1 (immunoglobulin like domain containing receptor 1; minus strand). Cytogenetic location: 3q13.33.
Variant type: single nucleotide variant.
Coding change: c.1194G>A on transcript NM_001199799.2 (MANE Select); coding-DNA position 1194, G replaced by A.
Protein change: p.Ser398=; no amino-acid change (serine 398 retained).
Molecular consequence: synonymous variant.
Genome position (GRCh38, 1-based): chr3:121,993,555, C>T on the plus strand (G>A on the coding strand, the complement: ILDR1 is on the minus strand). VCF-style: chr3-121993555-C-T. GRCh37 (hg19) VCF-style: chr3-121712402-C-T.
Other names: c.927G>A, p.Ser309= (NM_001199800.2); c.1062G>A, p.Ser354= (NM_175924.4).
Identifiers: ClinVar variation 227438 (VCV000227438.5), dbSNP rs139810461, ClinGen allele CA2568743.
Genomic context (GRCh38, chr3:121,993,555, plus strand): 5'-CCTGTCTGACCAGTGTATGGGTGACCCATTCAGCCTAGAGCTACGGTGCCTTCCACTCCA[C>T]GATGGGTCCAACTCCCTTCTTTCCAATGCCCAAGACTTTGGCCCCCGGTCCTGGAGCTCC-3'
Protein context (NP_001186728.1, residues 388-408): WALERRELDP[Ser398=]WSGRHRSSRL

ClinVar aggregate classification (germline): Likely benign. Review status: criteria provided, multiple submitters, no conflicts (2 of 4 stars). 2 submissions from 2 submitters: Likely benign (2). Last evaluated 2023-12-08.

Allele frequency attached by ClinVar (database versions not stated): TOPMed 0.00001; gnomAD 0.00002; gnomAD exomes 0.00004 and 0.00006; ExAC 0.00009; ESP Exome Variant Server 0.00015.
gnomAD v4.1: 63 of 1,614,112 alleles (0.0039%); highest among the groups gnomAD compares: East Asian, 0.013%; no homozygotes.

Submissions (2):

Blueprint Genetics
Classification: Likely benign. Last evaluated: 2023-12-08. Review status: criteria provided, single submitter. Criteria: ACMG Guidelines, 2015. Collection method: clinical testing. Allele origin: germline.

Laboratory for Molecular Medicine, Mass General Brigham Personalized Medicine
Classification: Likely benign. Last evaluated: 2015-05-14. Review status: criteria provided, single submitter. Criteria: LMM Criteria. Collection method: clinical testing. Allele origin: germline. Observed: 1 variant allele.
Comment: p.Ser398Ser in exon 07 of ILDR1: This variant is not expected to have clinical s ignificance because it does not alter an amino acid residue, is not located with in the splice consensus sequence, and has been identified in a total of 11/12139 2 chromosomes across multiple populations by the Exome Aggregation Consortium (E xAC; dbSNP rs139810461).